The following is an entry in ClinVar:

NM_020381.4(PDSS2):c.1044G>T (p.Leu348Phe)

Gene: PDSS2 (decaprenyl diphosphate synthase subunit 2; minus strand). Cytogenetic location: 6q21.
Variant type: single nucleotide variant.
Coding change: c.1044G>T on transcript NM_020381.4 (MANE Select); coding-DNA position 1044, G replaced by T.
Protein change: p.Leu348Phe; replaces leucine 348 with phenylalanine.
Molecular consequence: missense variant.
Genome position (GRCh38, 1-based): chr6:107,154,775, C>A on the plus strand (G>T on the coding strand, the complement: PDSS2 is on the minus strand). VCF-style: chr6-107154775-C-A. GRCh37 (hg19) VCF-style: chr6-107475979-C-A.
Other names: short protein forms L348F.
Identifiers: ClinVar variation 2059878 (VCV002059878.5), dbSNP rs1219084549, ClinGen allele CA365322163.

ClinVar aggregate classification (germline): Uncertain significance. Review status: criteria provided, multiple submitters, no conflicts (2 of 4 stars). 2 submissions from 2 submitters: Uncertain significance (2). Last evaluated 2024-02-05.

Conditions:
Coenzyme Q10 deficiency, primary, 3 (COQ10D3). Identifiers: Orphanet 255249, MedGen C3553358, MONDO:0013838, OMIM 614652.

Allele frequency attached by ClinVar (database versions not stated): gnomAD exomes 0.00001.
gnomAD v4.1: 20 of 1,613,894 alleles (0.0012%); highest among the groups gnomAD compares: Non-Finnish European, 0.0015%; no homozygotes.

Submissions (2):

Fulgent Genetics
Classification: Uncertain significance for Coenzyme Q10 deficiency, primary, 3. Last evaluated: 2024-02-05. Review status: criteria provided, single submitter. Criteria: ACMG Guidelines, 2015. Collection method: clinical testing. Allele origin: germline.

Labcorp Genetics (formerly Invitae), Labcorp
Classification: Uncertain significance. Last evaluated: 2022-11-08. Review status: criteria provided, single submitter. Criteria: Invitae Variant Classification Sherloc (09022015). Collection method: clinical testing. Allele origin: germline.
Comment: Algorithms developed to predict the effect of missense changes on protein structure and function are either unavailable or do not agree on the potential impact of this missense change (SIFT: "Deleterious"; PolyPhen-2: "Possibly Damaging"; Align-GVGD: "Class C0"). This variant has not been reported in the literature in individuals affected with PDSS2-related conditions. This variant is present in population databases (no rsID available, gnomAD 0.0009%). This sequence change replaces leucine, which is neutral and non-polar, with phenylalanine, which is neutral and non-polar, at codon 348 of the PDSS2 protein (p.Leu348Phe). In summary, the available evidence is currently insufficient to determine the role of this variant in disease. Therefore, it has been classified as a Variant of Uncertain Significance.